The following is an entry in ClinVar:

ClinVar aggregate classification (germline): Uncertain significance. Review status: criteria provided, single submitter (1 of 4 stars). 2 submissions from 2 submitters: Uncertain significance (1). 1 of the submissions does not count toward it. Last evaluated 2025-02-18.

Conditions:
MYOM2-related disorder. Also called: MYOM2-related condition.

Allele frequency attached by ClinVar (database versions not stated): gnomAD exomes 0.00005; 1000 Genomes Project 30x 0.00016; ExAC 0.00017; 1000 Genomes Project 0.00020; gnomAD 0.00058; TOPMed 0.00061; ESP Exome Variant Server 0.00092.
gnomAD v4.1: 159 of 1,613,628 alleles (0.0099%); highest among the groups gnomAD compares: African/African-American, 0.2%; no homozygotes.

Submissions (2):

Ambry Genetics
Classification: Uncertain significance. Last evaluated: 2025-02-18. Review status: criteria provided, single submitter. Criteria: Ambry Variant Classification Scheme 2023. Collection method: clinical testing. Allele origin: germline.

PreventionGenetics, part of Exact Sciences
Classification: Likely benign for MYOM2-related condition. Last evaluated: 2023-06-05. Review status: no assertion criteria provided. Collection method: clinical testing. Allele origin: germline. Not counted in ClinVar's aggregate classification.
Comment: This variant is classified as likely benign based on ACMG/AMP sequence variant interpretation guidelines (Richards et al. 2015 PMID: 25741868, with internal and published modifications).

NM_003970.4(MYOM2):c.2399G>T (p.Ser800Ile)

Gene: MYOM2 (myomesin 2; plus strand). Cytogenetic location: 8p23.3.
Variant type: single nucleotide variant.
Coding change: c.2399G>T on transcript NM_003970.4 (MANE Select); coding-DNA position 2399, G replaced by T.
Protein change: p.Ser800Ile; replaces serine 800 with isoleucine.
Molecular consequence: missense variant.
Genome position (GRCh38, 1-based): chr8:2,098,942, G>T. VCF-style: chr8-2098942-G-T. GRCh37 (hg19) VCF-style: chr8-2046772-G-T.
Other names: c.2399G>T (NM_003970.3); short protein forms S800I.
Identifiers: ClinVar variation 2215779 (VCV002215779.5), dbSNP rs144330258, ClinGen allele CA170457762.
Genomic context (GRCh38, chr8:2,098,942, plus strand): 5'-TCTACGAGTTCAAAATCGCCGCCGTCAACCTGGCCGGCATCGGGGAGCCCTCAGATCCCA[G>T]TGAGCACTTCAAGTGTGAGGCCTGGACCATGCCGGAGCCCGGTGAGTCGCTGCCCCCAGG-3'
Protein context (NP_003961.3, residues 790-810): LAGIGEPSDP[Ser800Ile]EHFKCEAWTM